The following is an entry in ClinVar:

ClinVar aggregate classification (germline): Uncertain significance (1 of 4 stars; one submission).

Conditions:
Facioscapulohumeral muscular dystrophy 2 (FSHD2). Also called: MUSCULAR DYSTROPHY, FACIOSCAPULOHUMERAL, TYPE 1B; FACIOSCAPULOHUMERAL MUSCULAR DYSTROPHY 2, DIGENIC; FSHD2, DIGENIC. Identifiers: Orphanet 269, MedGen C1834671, MONDO:0008031, OMIM 158901.

Allele frequency attached by ClinVar (database versions not stated): gnomAD exomes below 0.00001; gnomAD 0.00001.
gnomAD v4.1: 4 of 1,608,052 alleles (0.00025%); highest among the groups gnomAD compares: African/African-American, 0.0013%; no homozygotes.

Submission:

Labcorp Genetics (formerly Invitae), Labcorp
Classification: Uncertain significance for Facioscapulohumeral muscular dystrophy 2. Last evaluated: 2023-10-09. Review status: criteria provided, single submitter. Criteria: Invitae Variant Classification Sherloc (09022015). Collection method: clinical testing. Allele origin: germline.
Comment: This sequence change replaces alanine, which is neutral and non-polar, with valine, which is neutral and non-polar, at codon 1842 of the SMCHD1 protein (p.Ala1842Val). This variant is present in population databases (no rsID available, gnomAD 0.004%). This variant has not been reported in the literature in individuals affected with SMCHD1-related conditions. Advanced modeling of protein sequence and biophysical properties (such as structural, functional, and spatial information, amino acid conservation, physicochemical variation, residue mobility, and thermodynamic stability) has been performed at Invitae for this missense variant, however the output from this modeling did not meet the statistical confidence thresholds required to predict the impact of this variant on SMCHD1 protein function. In summary, the available evidence is currently insufficient to determine the role of this variant in disease. Therefore, it has been classified as a Variant of Uncertain Significance.

NM_015295.3(SMCHD1):c.5525C>T (p.Ala1842Val)

Gene: SMCHD1 (structural maintenance of chromosomes flexible hinge domain containing 1; plus strand). Cytogenetic location: 18p11.32.
Variant type: single nucleotide variant.
Coding change: c.5525C>T on transcript NM_015295.3 (MANE Select); coding-DNA position 5525, C replaced by T.
Protein change: p.Ala1842Val; replaces alanine 1842 with valine.
Molecular consequence: missense variant.
Genome position (GRCh38, 1-based): chr18:2,778,217, C>T. VCF-style: chr18-2778217-C-T. GRCh37 (hg19) VCF-style: chr18-2778215-C-T.
Other names: short protein forms A1842V.
Identifiers: ClinVar variation 2907120 (VCV002907120.3), dbSNP rs1437775906, ClinGen allele CA401686701.
Genomic context (GRCh38, chr18:2,778,217, plus strand): 5'-TGACTTTTTTAGTATTTGGTATGCTGTTAGGAGACACCATTATTTTGGATAATCTGGATG[C>T]GGCCAATCATTATAGAAAAGAGGTATGTATTTGATTTCTTTTTAAATTTGTAGACTTCAG-3'
Protein context (NP_056110.2, residues 1832-1852): GDTIILDNLD[Ala1842Val]ANHYRKEVVK